The following is an entry in ClinVar:

ClinVar aggregate classification (germline): Pathogenic. Review status: criteria provided, multiple submitters, no conflicts (2 of 4 stars). 3 submissions from 3 submitters: Pathogenic (3). Last evaluated 2024-07-03.

Conditions:
Hereditary cancer-predisposing syndrome. Also called: Hereditary neoplastic syndrome; Neoplastic Syndromes, Hereditary; Hereditary Cancer Syndrome; Tumor predisposition. Identifiers: Orphanet 140162, MedGen C0027672, MeSH D009386, MONDO:0015356.
Pheochromocytoma. Also called: MAX-Related Hereditary Paraganglioma-Pheochromocytoma Syndrome. Identifiers: Orphanet 29072, MedGen C0031511, MONDO:0008233, OMIM 171300, HP:0002666.
Gastrointestinal stromal tumor. Also called: Gastrointestinal stromal tumor, somatic; Gastrointestinal stroma tumor. Identifiers: Orphanet 44890, MedGen C0238198, MeSH D046152, MONDO:0011719, OMIM 606764, HP:0100723.
Pheochromocytoma/paraganglioma syndrome 4. Also called: SDHB-Related Hereditary Paraganglioma-Pheochromocytoma Syndrome; PARAGANGLIOMA, FAMILIAL MALIGNANT; PARAGANGLIOMAS, HEREDITARY EXTRAADRENAL; PHEOCHROMOCYTOMA, FAMILIAL EXTRAADRENAL; Paragangliomas 4; CAROTID BODY TUMORS AND MULTIPLE EXTRAADRENAL PHEOCHROMOCYTOMAS. Identifiers: Orphanet 29072, MedGen C1861848, MONDO:0007273, OMIM 115310.

Submissions (3):

Ambry Genetics
Classification: Pathogenic for Hereditary cancer-predisposing syndrome. Last evaluated: 2024-07-03. Review status: criteria provided, single submitter. Criteria: Ambry Variant Classification Scheme 2023. Collection method: clinical testing. Allele origin: germline.
Comment: The c.537dupA pathogenic mutation, located in coding exon 5 of the SDHB gene, results from a duplication of A at nucleotide position 537, causing a translational frameshift with a predicted alternate stop codon (p.L180Tfs*14). This variant has been observed in at least one individual with a personal and/or family history that is consistent with SDHB-associated disease (Ambry internal data). This variant is considered to be rare based on population cohorts in the Genome Aggregation Database (gnomAD). This alteration is expected to result in loss of function by premature protein truncation or nonsense-mediated mRNA decay. As such, this alteration is interpreted as a disease-causing mutation.

Labcorp Genetics (formerly Invitae), Labcorp
Classification: Pathogenic for Gastrointestinal stromal tumor; Pheochromocytoma/paraganglioma syndrome 4; Pheochromocytoma. Last evaluated: 2023-06-09. Review status: criteria provided, single submitter. Criteria: Invitae Variant Classification Sherloc (09022015). Collection method: clinical testing. Allele origin: germline.
Comment: For these reasons, this variant has been classified as Pathogenic. ClinVar contains an entry for this variant (Variation ID: 545881). This variant has not been reported in the literature in individuals affected with SDHB-related conditions. This variant is not present in population databases (gnomAD no frequency). This sequence change creates a premature translational stop signal (p.Leu180Thrfs*14) in the SDHB gene. It is expected to result in an absent or disrupted protein product. Loss-of-function variants in SDHB are known to be pathogenic (PMID: 19454582, 19802898).

GeneDx
Classification: Pathogenic. Last evaluated: 2018-02-26. Review status: criteria provided, single submitter. Criteria: GeneDx Variant Classification (06012015). Collection method: clinical testing. Allele origin: germline. Affected: yes.
Comment: This duplication of one nucleotide in SDHB is denoted c.537dupA at the cDNA level and p.Leu180ThrfsX14 (L180TfsX14) at the protein level. The normal sequence, with the base that is duplicated in brackets, is AGAA[dupA]CTGG. The duplication causes a frameshift which changes a Leucine to a Threonine at codon 180, and creates a premature stop codon at position 14 of the new reading frame. Although this variant has not, to our knowledge, been reported in the literature, it is predicted to cause loss of normal protein function through either protein truncation or nonsense-mediated mRNA decay. We consider this variant to be pathogenic.

Literature cited by the submitters: PubMed 19454582 (cited by Labcorp Genetics (formerly Invitae), Labcorp); PubMed 19802898 (cited by Labcorp Genetics (formerly Invitae), Labcorp).

NM_003000.3(SDHB):c.537dup (p.Leu180fs)

Gene: SDHB (succinate dehydrogenase complex iron sulfur subunit B; minus strand). Cytogenetic location: 1p36.13.
Variant type: Duplication.
Coding change: c.537dup on transcript NM_003000.3 (MANE Select); coding-DNA position 537, one base duplicated (A; older notation c.537dupA).
Protein change: p.Leu180fs; shifts the reading frame from leucine 180.
Molecular consequence: frameshift variant.
Genome position (GRCh38, 1-based): chr1:17,027,752, T duplicated on the plus strand (A on the coding strand, the reverse complement: SDHB is on the minus strand); the first of 3 consecutive T bases (chr1:17,027,752-17,027,754); duplicating any one gives the same sequence. VCF-style (leftmost placement, unchanged base first): chr1-17027751-G-GT. GRCh37 (hg19) VCF-style: chr1-17354246-G-GT.
Other names: c.537dupA (NM_003000.2); short protein forms L180fs.
Identifiers: ClinVar variation 545881 (VCV000545881.6), dbSNP rs1553177669, ClinGen allele CA658820982.